The following is an entry in ClinVar:

ClinVar aggregate classification (germline): Uncertain significance. Review status: criteria provided, multiple submitters, no conflicts (2 of 4 stars). 2 submissions from 2 submitters: Uncertain significance (2). Last evaluated 2026-04-20.

Conditions:
Inborn genetic diseases. Identifiers: MedGen C0950123, MeSH D030342.

gnomAD v4.1: 26 of 1,572,468 alleles (0.0017%); highest among the groups gnomAD compares: Non-Finnish European, 0.0022%; no homozygotes.

Submissions (2):

Women's Health and Genetics/Laboratory Corporation of America, LabCorp
Classification: Uncertain significance. Last evaluated: 2026-04-20. Review status: criteria provided, single submitter. Criteria: LabCorp Variant Classification Summary - May 2015. Collection method: clinical testing. Allele origin: germline.
Comment: Variant summary: PKD1 c.6434C>T (p.Ala2145Val) results in a non-conservative amino acid change in the encoded protein sequence. Algorithms developed to predict the effect of missense changes on protein structure and function are either unavailable or do not agree on the potential impact of this missense change. The variant allele was found at a frequency of 1.7e-05 in 1572468 control chromosomes. This frequency is not significantly higher than estimated for disease-causing variants in PKD1, allowing no conclusion about variant significance. To our knowledge, no occurrence of c.6434C>T in individuals affected with PKD1-related conditions and no experimental evidence demonstrating its impact on protein function have been reported. ClinVar contains an entry for this variant (Variation ID: 4627719). Based on the evidence outlined above, the variant was classified as uncertain significance.

Ambry Genetics
Classification: Uncertain significance for Inborn genetic diseases. Last evaluated: 2025-09-22. Review status: criteria provided, single submitter. Criteria: Ambry Variant Classification Scheme 2023. Collection method: clinical testing. Allele origin: germline.

NM_001009944.3(PKD1):c.6434C>T (p.Ala2145Val)

Gene: PKD1 (polycystin 1, transient receptor potential channel interacting; minus strand). Cytogenetic location: 16p13.3.
Variant type: single nucleotide variant.
Coding change: c.6434C>T on transcript NM_001009944.3 (MANE Select); coding-DNA position 6434, C replaced by T.
Protein change: p.Ala2145Val; replaces alanine 2145 with valine.
Molecular consequence: missense variant.
Genome position (GRCh38, 1-based): chr16:2,108,733, G>A on the plus strand (C>T on the coding strand, the complement: PKD1 is on the minus strand). VCF-style: chr16-2108733-G-A. GRCh37 (hg19) VCF-style: chr16-2158734-G-A.
Other names: c.6434C>T, p.Ala2145Val (NM_000296.4); short protein forms A2145V.
Identifiers: ClinVar variation 4627719 (VCV004627719.2).